The following is an entry in ClinVar:

ClinVar aggregate classification (germline): Benign (1 of 4 stars; one submission).

Allele frequency attached by ClinVar (database versions not stated): TOPMed 0.50108; gnomAD 0.50329; 1000 Genomes Project 0.50579; 1000 Genomes Project 30x 0.50906.
gnomAD v4.1: 74,760 of 151,946 alleles (49%); highest among the groups gnomAD compares: East Asian, 59%; 18,698 homozygotes.

Submission:

GeneDx
Classification: Benign. Last evaluated: 2018-06-19. Review status: criteria provided, single submitter. Criteria: GeneDx Variant Classification (06012015). Collection method: clinical testing. Allele origin: germline. Affected: yes.
Comment: This variant is considered likely benign or benign based on one or more of the following criteria: it is a conservative change, it occurs at a poorly conserved position in the protein, it is predicted to be benign by multiple in silico algorithms, and/or has population frequency not consistent with disease.

NM_003640.5(ELP1):c.1855-160A>G

Gene: ELP1 (elongator acetyltransferase complex subunit 1; minus strand). Cytogenetic location: 9q31.3.
Variant type: single nucleotide variant.
Coding change: c.1855-160A>G on transcript NM_003640.5 (MANE Select); 160 bases into the intron before coding-DNA position 1855, A replaced by G.
Molecular consequence: intron variant.
Genome position (GRCh38, 1-based): chr9:108,901,841, T>C on the plus strand (A>G on the coding strand, the complement: ELP1 is on the minus strand). VCF-style: chr9-108901841-T-C. GRCh37 (hg19) VCF-style: chr9-111664121-T-C.
Other names: c.1513-160A>G (NM_001318360.2); c.808-160A>G (NM_001330749.2).
Identifiers: ClinVar variation 681889 (VCV000681889.1), dbSNP rs2275633, ClinGen allele CA13036353.